The following is an entry in ClinVar:

NM_001308142.2(MRTFB):c.1192T>C (p.Ser398Pro)

Genes: MRTFB (myocardin related transcription factor B; plus strand), LOC126862297 (BRD4-independent group 4 enhancer GRCh37_chr16:14339016-14340215; plus strand). Cytogenetic location: 16p13.12.
Variant type: single nucleotide variant.
Coding change: c.1192T>C on transcript NM_001308142.2 (MANE Select); coding-DNA position 1192, T replaced by C.
Protein change: p.Ser398Pro; replaces serine 398 with proline.
Molecular consequence: missense variant.
Genome position (GRCh38, 1-based): chr16:14,245,640, T>C. VCF-style: chr16-14245640-T-C. GRCh37 (hg19) VCF-style: chr16-14339497-T-C.
Other names: c.1159T>C, p.Ser387Pro (NM_001365411.2); c.1192T>C, p.Ser398Pro (NM_001365412.2, NM_014048.4); c.979T>C, p.Ser327Pro (NM_001365413.2, NM_001365414.2); short protein forms S387P, S327P, S398P.
Identifiers: ClinVar variation 710575 (VCV000710575.26), dbSNP rs113935526, ClinGen allele CA7911289.

ClinVar aggregate classification (germline): Likely benign. Review status: criteria provided, multiple submitters, no conflicts (2 of 4 stars). 3 submissions from 3 submitters: Likely benign (3). Last evaluated 2024-02-01.

Allele frequency attached by ClinVar (database versions not stated): 1000 Genomes Project 0.00120; 1000 Genomes Project 30x 0.00141; gnomAD 0.00325; TOPMed 0.00400; ESP Exome Variant Server 0.00469; gnomAD exomes 0.00482; ExAC 0.00491.
gnomAD v4.1: 8,977 of 1,613,624 alleles (0.56%); highest among the groups gnomAD compares: Non-Finnish European, 0.66%; 40 homozygotes.

Submissions (3):

CeGaT Center for Human Genetics Tuebingen
Classification: Likely benign. Last evaluated: 2024-02-01. Review status: criteria provided, single submitter. Criteria: CeGaT Center For Human Genetics Tuebingen Variant Classification Criteria Version 2. Collection method: clinical testing. Allele origin: germline. Affected: yes. Observed: 1 variant allele.
Comment: MRTFB: BS2

Labcorp Genetics (formerly Invitae), Labcorp
Classification: Likely benign. Last evaluated: 2018-06-08. Review status: criteria provided, single submitter. Criteria: Invitae Variant Classification Sherloc (09022015). Collection method: clinical testing. Allele origin: germline.

Breakthrough Genomics
Classification: Likely benign. Review status: criteria provided, single submitter. Criteria: ACMG Guidelines, 2015. Collection method: not provided. Allele origin: germline. Inheritance: Unknown mechanism. Affected: yes.